The following is an entry in ClinVar:

NM_006946.4(SPTBN2):c.2368C>T (p.Arg790Trp)

Gene: SPTBN2 (spectrin beta, non-erythrocytic 2; minus strand). Cytogenetic location: 11q13.2.
Variant type: single nucleotide variant.
Coding change: c.2368C>T on transcript NM_006946.4 (MANE Select); coding-DNA position 2368, C replaced by T.
Protein change: p.Arg790Trp; replaces arginine 790 with tryptophan.
Molecular consequence: missense variant.
Genome position (GRCh38, 1-based): chr11:66,704,908, G>A on the plus strand (C>T on the coding strand, the complement: SPTBN2 is on the minus strand). VCF-style: chr11-66704908-G-A. GRCh37 (hg19) VCF-style: chr11-66472379-G-A.
Other names: c.2389C>T, p.Arg797Trp (NM_001411025.1); short protein forms R790W, R797W.
Identifiers: ClinVar variation 1921381 (VCV001921381.5), dbSNP rs1246175977, ClinGen allele CA381477891.
Genomic context (GRCh38, chr11:66,704,908, plus strand): 5'-CCTGTTCCCTCAAGGCGTCCAGGGTTGGCCGGTGGCTTCGAATCTCCTCCTCCAGGGCCC[G>A]ATGCTGCCTGGCTAGAGCCTGCGTGGAGAACTCGTCGTGCCCCAGCTCGGGGCTGGACAC-3'
Protein context (NP_008877.2, residues 780-800): FSTQALARQH[Arg790Trp]ALEEEIRSHR

ClinVar aggregate classification (germline): Uncertain significance (1 of 4 stars; one submission).

gnomAD v4.1: 15 of 1,611,500 alleles (0.00093%); highest among the groups gnomAD compares: Non-Finnish European, 0.0013%; no homozygotes.

Submission:

Labcorp Genetics (formerly Invitae), Labcorp
Classification: Uncertain significance. Last evaluated: 2022-07-08. Review status: criteria provided, single submitter. Criteria: Invitae Variant Classification Sherloc (09022015). Collection method: clinical testing. Allele origin: germline.
Comment: This variant has not been reported in the literature in individuals affected with SPTBN2-related conditions. In summary, the available evidence is currently insufficient to determine the role of this variant in disease. Therefore, it has been classified as a Variant of Uncertain Significance. Advanced modeling of protein sequence and biophysical properties (such as structural, functional, and spatial information, amino acid conservation, physicochemical variation, residue mobility, and thermodynamic stability) performed at Invitae indicates that this missense variant is not expected to disrupt SPTBN2 protein function. The frequency data for this variant in the population databases is considered unreliable, as metrics indicate poor data quality at this position in the gnomAD database. This sequence change replaces arginine, which is basic and polar, with tryptophan, which is neutral and slightly polar, at codon 790 of the SPTBN2 protein (p.Arg790Trp).